The following is an entry in ClinVar:

ClinVar aggregate classification (germline): Uncertain significance. Review status: criteria provided, multiple submitters, no conflicts (2 of 4 stars). 2 submissions from 2 submitters: Uncertain significance (2). Last evaluated 2022-07-18.

Conditions:
Reduced sperm motility. Also called: asthenozoospermia. Identifiers: MedGen C4082176, HP:0012207.
Abnormal sperm morphology. Also called: Teratozoospermia. Identifiers: MedGen C0403824, HP:0012864.
Oligospermia. Identifiers: MedGen C0028960, MeSH D009845, MONDO:0001913.

Allele frequency attached by ClinVar (database versions not stated): TOPMed 0.00001.
gnomAD v4.1: 29 of 1,613,786 alleles (0.0018%); highest among the groups gnomAD compares: South Asian, 0.023%; no homozygotes.

Submissions (2):

Labcorp Genetics (formerly Invitae), Labcorp
Classification: Uncertain significance. Last evaluated: 2022-07-18. Review status: criteria provided, single submitter. Criteria: Invitae Variant Classification Sherloc (09022015). Collection method: clinical testing. Allele origin: germline.
Comment: This variant has not been reported in the literature in individuals affected with TTLL5-related conditions. ClinVar contains an entry for this variant (Variation ID: 1001481). This variant is present in population databases (rs765872484, gnomAD 0.02%). This sequence change replaces leucine, which is neutral and non-polar, with glutamine, which is neutral and polar, at codon 330 of the TTLL5 protein (p.Leu330Gln). In summary, the available evidence is currently insufficient to determine the role of this variant in disease. Therefore, it has been classified as a Variant of Uncertain Significance. Algorithms developed to predict the effect of missense changes on protein structure and function (SIFT, PolyPhen-2, Align-GVGD) all suggest that this variant is likely to be tolerated.

Huzhibin Lab, Nanjing Medical University
Classification: Uncertain significance for Oligozoospermia; Reduced sperm motility; Abnormal sperm morphology. Review status: criteria provided, single submitter. Criteria: ACMG Guidelines, 2015. Collection method: research. Allele origin: germline. Inheritance: Autosomal recessive inheritance. Affected: yes. Observed: 1 variant allele, 1 homozygote.
Comment: Criteria:PS4,PP3 This gene is a known causative gene for teratozoospermia, and male knockout mice of this gene have been shown to have a teratospermic phenotype and be infertile in males. While the variant we found here is a missense but not LoF variant. This rare homozygous variant in this gene was not found in the control population, and this variant was also predicted to be pathogenic by multiple algorithms,such as CADD(22.8), AlphaMissense(Pathogenic).

Literature cited by the submitters: PubMed 23558686 (cited by Huzhibin Lab, Nanjing Medical University).

NM_015072.5(TTLL5):c.989T>A (p.Leu330Gln)

Gene: TTLL5 (tubulin tyrosine ligase like 5; plus strand). Cytogenetic location: 14q24.3.
Variant type: single nucleotide variant.
Coding change: c.989T>A on transcript NM_015072.5 (MANE Select); coding-DNA position 989, T replaced by A.
Protein change: p.Leu330Gln; replaces leucine 330 with glutamine.
Molecular consequence: missense variant.
Genome position (GRCh38, 1-based): chr14:75,720,650, T>A. VCF-style: chr14-75720650-T-A. GRCh37 (hg19) VCF-style: chr14-76186993-T-A.
Other names: short protein forms L330Q.
Identifiers: ClinVar variation 1001481 (VCV001001481.9), dbSNP rs765872484, ClinGen allele CA7279185.
Genomic context (GRCh38, chr14:75,720,650, plus strand): 5'-TTGCAGCATTGATGGCCCATGTAGAAGACCTGATCATTAAGACTATAATCTCTGCTGAAC[T>A]AGCTATTGCTACTGCCTGTAAAACCTTTGTTCCTCATCGCAGCAGTTGTTTTGGTAAGGA-3'
Protein context (NP_055887.3, residues 320-340): LIIKTIISAE[Leu330Gln]AIATACKTFV